The following is an entry in ClinVar:

NM_020975.6(RET):c.3244G>A (p.Gly1082Ser)

Gene: RET (ret proto-oncogene; plus strand). Cytogenetic location: 10q11.21.
Variant type: single nucleotide variant.
Coding change: c.3244G>A on transcript NM_020975.6 (MANE Select); coding-DNA position 3244, G replaced by A.
Protein change: p.Gly1082Ser; replaces glycine 1082 with serine.
Molecular consequence: missense variant. On other transcripts: 3 prime UTR variant (18), intron variant (3).
Genome position (GRCh38, 1-based): chr10:43,128,168, G>A. VCF-style: chr10-43128168-G-A. GRCh37 (hg19) VCF-style: chr10-43623616-G-A.
Other names: c.2059G>A, p.Gly687Ser (NM_001406788.1, NM_001406789.1); c.*1414G>A (NM_001406790.1, NM_001406791.1, NM_001406794.1 and 15 more transcripts); c.1795G>A, p.Gly599Ser (NM_001406792.1); c.1735G>A, p.Gly579Ser (NM_001406793.1); c.3188-1350G>A (NM_001406744.1); c.2291-1350G>A (NM_001406781.1); c.2462-1350G>A (NM_001406776.1); c.2518G>A, p.Gly840Ser (NM_001406775.1); and 10 more; short protein forms G1037S, G579S, G936S, G950S, G1062S, G783S, G986S, G1039S.
Identifiers: ClinVar variation 3650070 (VCV003650070.2).

ClinVar aggregate classification (germline): Uncertain significance (1 of 4 stars; one submission).

Conditions:
Multiple endocrine neoplasia, type 2 (MEN2). Identifiers: Orphanet 653, MedGen C4048306, MONDO:0019003. Disease mechanism: gain of function.

Submission:

Labcorp Genetics (formerly Invitae), Labcorp
Classification: Uncertain significance for Multiple endocrine neoplasia, type 2. Last evaluated: 2024-04-16. Review status: criteria provided, single submitter. Criteria: Invitae Variant Classification Sherloc (09022015). Collection method: clinical testing. Allele origin: germline.
Comment: This sequence change replaces glycine, which is neutral and non-polar, with serine, which is neutral and polar, at codon 1082 of the RET protein (p.Gly1082Ser). This variant is not present in population databases (gnomAD no frequency). This variant has not been reported in the literature in individuals affected with RET-related conditions. An algorithm developed to predict the effect of missense changes on protein structure and function (PolyPhen-2) suggests that this variant is likely to be tolerated. Algorithms developed to predict the effect of sequence changes on RNA splicing suggest that this variant may disrupt the consensus splice site. In summary, the available evidence is currently insufficient to determine the role of this variant in disease. Therefore, it has been classified as a Variant of Uncertain Significance.